The following is an entry in ClinVar:

NM_020791.4(TAOK1):c.239T>C (p.Leu80Pro)

Gene: TAOK1 (TAO kinase 1; plus strand). Cytogenetic location: 17q11.2.
Variant type: single nucleotide variant.
Coding change: c.239T>C on transcript NM_020791.4 (MANE Select); coding-DNA position 239, T replaced by C.
Protein change: p.Leu80Pro; replaces leucine 80 with proline.
Molecular consequence: missense variant.
Genome position (GRCh38, 1-based): chr17:29,475,704, T>C. VCF-style: chr17-29475704-T-C. GRCh37 (hg19) VCF-style: chr17-27802722-T-C.
Other names: c.239T>C, p.Leu80Pro (NM_025142.1); short protein forms L80P.
Identifiers: ClinVar variation 4975335 (VCV004975335.1).
Genomic context (GRCh38, chr17:29,475,704, plus strand): 5'-ATTCTTTACCTTTTTTCTCCCCACAGAAATGGCAGGATATTATTAAGGAAGTCAAGTTTC[T>C]ACAAAGAATAAAACATCCCAACAGTATAGAATACAAAGGCTGTTATTTACGTGAACACAC-3'
Protein context (NP_065842.1, residues 70-90): WQDIIKEVKF[Leu80Pro]QRIKHPNSIE

ClinVar aggregate classification (germline): Uncertain significance (1 of 4 stars; one submission).

Submission:

GeneDx
Classification: Uncertain significance. Last evaluated: 2026-01-22. Review status: criteria provided, single submitter. Criteria: GeneDx Variant Classification Process June 2021. Collection method: clinical testing. Allele origin: germline.
Comment: Not observed at significant frequency in large population cohorts (gnomAD); In silico analysis supports that this missense variant has a deleterious effect on protein structure/function; Has not been previously published as pathogenic or benign to our knowledge